The following is an entry in ClinVar:

ClinVar aggregate classification (germline): Uncertain significance. Review status: criteria provided, multiple submitters, no conflicts (2 of 4 stars). 2 submissions from 2 submitters: Uncertain significance (2). Last evaluated 2024-05-28.

Conditions:
Neuropathy, hereditary sensory, type 2C. Also called: Hereditary sensory and autonomic neuropathy type IIC; KIF1A-Related HSAN2 (HSAN2C). Identifiers: Orphanet 970, MedGen C3280168, MONDO:0013634, OMIM 614213.
Intellectual disability, autosomal dominant 9 (NESCAVS). Also called: KIF1A-Related Neurodevelopmental Disorder; NESCAV SYNDROME. Identifiers: Orphanet 662367, MedGen C5393830, MONDO:0013656, OMIM 614255.
Hereditary spastic paraplegia 30. Identifiers: Orphanet 101010, MedGen C5235139, MONDO:0012476.
Inborn genetic diseases. Identifiers: MedGen C0950123, MeSH D030342.

Submissions (2):

Labcorp Genetics (formerly Invitae), Labcorp
Classification: Uncertain significance for Hereditary spastic paraplegia 30; Neuropathy, hereditary sensory, type 2C; Intellectual disability, autosomal dominant 9. Last evaluated: 2024-05-28. Review status: criteria provided, single submitter. Criteria: Invitae Variant Classification Sherloc (09022015). Collection method: clinical testing. Allele origin: germline.
Comment: This variant, c.2844_2849dup, results in the insertion of 2 amino acid(s) of the KIF1A protein (p.Gln949_Gly950dup), but otherwise preserves the integrity of the reading frame. This variant is not present in population databases (gnomAD no frequency). This variant has not been reported in the literature in individuals affected with KIF1A-related conditions. Experimental studies and prediction algorithms are not available or were not evaluated, and the functional significance of this variant is currently unknown. In summary, the available evidence is currently insufficient to determine the role of this variant in disease. Therefore, it has been classified as a Variant of Uncertain Significance.

Ambry Genetics
Classification: Uncertain significance for Inborn genetic diseases. Last evaluated: 2021-02-22. Review status: criteria provided, single submitter. Criteria: Ambry Variant Classification Scheme 2023. Collection method: clinical testing. Allele origin: germline.
Comment: The c.3147_3152dupCCAGGG variant (also known as p.Q1050_G1051dup), located in coding exon 29 of the KIF1A gene, results from an in-frame duplication of CCAGGG at nucleotide positions 3147 to 3152. This results in the duplication of 2 extra residues (QG) between codons 1050 and 1051. This amino acid region is well conserved in available vertebrate species. In addition, the in silico prediction for this alteration is inconclusive (Choi Y et al. PLoS ONE. 2012; 7(10):e46688). Since supporting evidence is limited at this time, the clinical significance of this alteration remains unclear.

NM_001244008.2(KIF1A):c.3141CCAGGG[3] (p.1048QG[3])

Gene: KIF1A (kinesin family member 1A; minus strand). Cytogenetic location: 2q37.3.
Variant type: Microsatellite.
Coding change: c.3141CCAGGG[3] on transcript NM_001244008.2 (MANE Select); three copies in a row of the 6-base unit CCAGGG starting at c.3141; the reference has two copies in a row; one copy, 6 bases duplicated.
Protein change: p.1048QG[3].
Molecular consequence: inframe insertion.
Genome position (GRCh38, 1-based): chr2:240,746,089-240,746,094, CCCTGG duplicated on the plus strand (CCAGGG on the coding strand, the reverse complement: KIF1A is on the minus strand); duplicating any 6 consecutive bases within chr2:240,746,089-240,746,104 gives the same sequence; the position shown is the placement nearest the transcript's 3' end. VCF-style (leftmost placement, unchanged base first): chr2-240746088-A-ACCCTGG. GRCh37 (hg19) VCF-style: chr2-241685505-A-ACCCTGG.
Other names: c.2865CCAGGG[3], p.956QG[3] (NM_001320705.2, NM_001330289.2, NM_001379638.1); c.2940CCAGGG[3], p.981QG[3] (NM_001330290.2, NM_001379634.1, NM_001379635.1 and 1 more transcripts); c.3216CCAGGG[3], p.1073QG[3] (NM_001379631.1); c.3090CCAGGG[3], p.1031QG[3] (NM_001379632.1); c.3114CCAGGG[3], p.1039QG[3] (NM_001379633.1, NM_001379642.1, NM_001379645.1); c.2838CCAGGG[3], p.947QG[3] (NM_001379636.1, NM_001379639.1, NM_001379640.1 and 6 more transcripts); c.2913CCAGGG[3], p.972QG[3] (NM_001379637.1, NM_001379648.1).
Identifiers: ClinVar variation 1009342 (VCV001009342.9), dbSNP rs2048566783, ClinGen allele CA1339269039.